The following is an entry in ClinVar:

ClinVar aggregate classification (germline): Uncertain significance. Review status: criteria provided, multiple submitters, no conflicts (2 of 4 stars). 2 submissions from 2 submitters: Uncertain significance (2). Last evaluated 2023-08-16.

Conditions:
Fanconi anemia (FA). Also called: Fanconi's anemia. Identifiers: Orphanet 84, MedGen C0015625, MeSH D005199, MONDO:0019391.
Inborn genetic diseases. Identifiers: MedGen C0950123, MeSH D030342.

Allele frequency attached by ClinVar (database versions not stated): TOPMed below 0.00001; ExAC 0.00001; gnomAD exomes 0.00001.
gnomAD v4.1: 3 of 1,583,228 alleles (0.00019%); highest among the groups gnomAD compares: Admixed American, 0.0052%; no homozygotes.

Submissions (2):

Labcorp Genetics (formerly Invitae), Labcorp
Classification: Uncertain significance for Fanconi anemia. Last evaluated: 2023-08-16. Review status: criteria provided, single submitter. Criteria: Invitae Variant Classification Sherloc (09022015). Collection method: clinical testing. Allele origin: germline.
Comment: This sequence change replaces cysteine, which is neutral and slightly polar, with serine, which is neutral and polar, at codon 1427 of the SLX4 protein (p.Cys1427Ser). This variant is present in population databases (rs772869326, gnomAD 0.009%). This variant has not been reported in the literature in individuals affected with SLX4-related conditions. ClinVar contains an entry for this variant (Variation ID: 2300727). Algorithms developed to predict the effect of missense changes on protein structure and function output the following: SIFT: "Not Available"; PolyPhen-2: "Benign"; Align-GVGD: "Not Available". The serine amino acid residue is found in multiple mammalian species, which suggests that this missense change does not adversely affect protein function. In summary, the available evidence is currently insufficient to determine the role of this variant in disease. Therefore, it has been classified as a Variant of Uncertain Significance.

Ambry Genetics
Classification: Uncertain significance for Inborn genetic diseases. Last evaluated: 2022-07-12. Review status: criteria provided, single submitter. Criteria: Ambry Variant Classification Scheme 2023. Collection method: clinical testing. Allele origin: germline.

NM_032444.4(SLX4):c.4280G>C (p.Cys1427Ser)

Gene: SLX4 (SLX4 structure-specific endonuclease subunit; minus strand). Cytogenetic location: 16p13.3.
Variant type: single nucleotide variant.
Coding change: c.4280G>C on transcript NM_032444.4 (MANE Select); coding-DNA position 4280, G replaced by C.
Protein change: p.Cys1427Ser; replaces cysteine 1427 with serine.
Molecular consequence: missense variant.
Genome position (GRCh38, 1-based): chr16:3,589,358, C>G on the plus strand (G>C on the coding strand, the complement: SLX4 is on the minus strand). VCF-style: chr16-3589358-C-G. GRCh37 (hg19) VCF-style: chr16-3639359-C-G.
Other names: short protein forms C1427S.
Identifiers: ClinVar variation 2300727 (VCV002300727.5), dbSNP rs772869326, ClinGen allele CA7865694.